The following is an entry in ClinVar:

ClinVar aggregate classification (germline): Pathogenic/Likely pathogenic. Review status: criteria provided, multiple submitters, no conflicts (2 of 4 stars). 3 submissions from 3 submitters: Pathogenic (1); Likely pathogenic (2). Last evaluated 2026-08-26.

Conditions:
CACNA1A-related complex neurodevelopmental disorder. Identifiers: MedGen CN323281, MONDO:0100254.
Developmental and epileptic encephalopathy, 42 (DEE42A). Also called: DEVELOPMENTAL AND EPILEPTIC ENCEPHALOPATHY 42A; EPILEPTIC ENCEPHALOPATHY, EARLY INFANTILE, 42A; Epileptic encephalopathy, early infantile, 42. Identifiers: MedGen C4310716, MONDO:0014917, OMIM 617106.
Episodic ataxia type 2 (EA2). Also called: ATAXIA, EPISODIC, WITH NYSTAGMUS; ATAXIA, FAMILIAL PAROXYSMAL; CEREBELLAR ATAXIA, PAROXYSMAL, ACETAZOLAMIDE-RESPONSIVE; CEREBELLOPATHY, HEREDITARY PAROXYSMAL; EPISODIC ATAXIA, NYSTAGMUS-ASSOCIATED; ACETAZOLAMIDE-RESPONSIVE HEREDITARY PAROXYSMAL CEREBELLAR ATAXIA. Identifiers: Orphanet 97, MedGen C1720416, MONDO:0007163, OMIM 108500.

Allele frequency attached by ClinVar (database versions not stated): gnomAD exomes below 0.00001.
gnomAD v4.1: 2 of 1,595,620 alleles (0.00013%); highest among the groups gnomAD compares: Non-Finnish European, 0.00017%; no homozygotes.

Submissions (3):

GeneDx
Classification: Likely pathogenic. Last evaluated: 2026-08-26. Review status: criteria provided, single submitter. Criteria: GeneDx Variant Classification Process June 2021. Collection method: clinical testing. Allele origin: germline.
Comment: Previously reported in a patient with congenital hypotonia, however no additional clinical information was provided (PMID: 34480364); Not observed at significant frequency in large population cohorts (gnomAD); In silico analysis supports that this missense variant has a deleterious effect on protein structure/function; This variant is associated with the following publications: (PMID: 39110218, 20156848, 35219921, 32899500, 30063100, 34507393, 32116539, 34480364, 27066515, 33544220)

Victorian Clinical Genetics Services, Murdoch Childrens Research Institute
Classification: Likely pathogenic for CACNA1A-related complex neurodevelopmental disorder. Last evaluated: 2024-10-09. Review status: criteria provided, single submitter. Criteria: ACMG Guidelines, 2015. Collection method: clinical testing. Allele origin: germline. Inheritance: Autosomal dominant inheritance. Affected: yes.
Comment: Based on the classification scheme VCGS_Germline_v1.3.4, this variant is classified as Likely pathogenic. Following criteria are met: 0103 - Loss of function and gain of function are known mechanisms of disease in this gene and are associated with CACNA1A-related disease. Episodic ataxia, type 2 (MIM#108500) is caused by variants with a loss of function mechanism (PMID: 28566750). (I) 0107 - This gene is associated with autosomal dominant disease. (I) 0112 - The condition associated with this gene has incomplete penetrance. Reduced penetrance has been reported for patients with episodic ataxia, type 2 (OMIM). (I) 0115 - Variants in this gene are known to have variable expressivity. Two families with episodic ataxia, intellectual disability and/or epilepsy have been reported with intrafamilial variability (PMID: 32910250, PMID: 30142438). (I) 0200 - Variant is predicted to result in a missense amino acid change from glycine to arginine. (I) 0251 - This variant is heterozygous. (I) 0301 - Variant is absent from gnomAD (both v2 and v3). (SP) 0501 - Missense variant consistently predicted to be damaging by multiple in silico tools or highly conserved with a major amino acid change. (SP) 0600 - Variant is located in the annotated ion transport protein domain (DECIPHER). (I) 0705 - No comparable missense variants have previous evidence for pathogenicity. (I) 0801 - This variant has strong previous evidence of pathogenicity in unrelated individuals. This variant has been reported in ClinVar once as likely pathogenic and once as a variant of unknown significance. It has also been reported in five unrelated individuals with ataxia, hypotonia and developmental delay (PMIDs: 20156848, 27066515, 34480364, 30063100, 33544220, 11960817). (SP) 1002 - This variant has moderate functional evidence supporting abnormal protein function. Patch clamp studies expressing this variant in HEK cells demonstrated an approximate 30% reduction in current density. However, patch clamp assays have been shown to be unreliable and therefore, results from these studies are used with caution during variant classification (PMID: 20156848). (I) 1207 - Parental origin of the variant is unresolved. (I) Legend: (SP) - Supporting pathogenic, (I) - Information, (SB) - Supporting benign

Labcorp Genetics (formerly Invitae), Labcorp
Classification: Pathogenic for Developmental and epileptic encephalopathy, 42; Episodic ataxia type 2. Last evaluated: 2023-12-11. Review status: criteria provided, single submitter. Criteria: Invitae Variant Classification Sherloc (09022015). Collection method: clinical testing. Allele origin: germline.
Comment: This sequence change replaces glycine, which is neutral and non-polar, with arginine, which is basic and polar, at codon 540 of the CACNA1A protein (p.Gly540Arg). This variant is not present in population databases (gnomAD no frequency). This missense change has been observed in individuals with CACNA1A-related conditions (PMID: 20156848, 27066515, 30063100; Invitae). ClinVar contains an entry for this variant (Variation ID: 1485251). Advanced modeling of protein sequence and biophysical properties (such as structural, functional, and spatial information, amino acid conservation, physicochemical variation, residue mobility, and thermodynamic stability) performed at Invitae indicates that this missense variant is expected to disrupt CACNA1A protein function with a positive predictive value of 95%. Experimental studies have shown that this missense change affects CACNA1A function (PMID: 20156848). For these reasons, this variant has been classified as Pathogenic.

Literature cited by the submitters: PubMed 11960817 (cited by Victorian Clinical Genetics Services, Murdoch Childrens Research Institute); PubMed 20156848 (cited by Victorian Clinical Genetics Services, Murdoch Childrens Research Institute and Labcorp Genetics (formerly Invitae), Labcorp); PubMed 27066515 (cited by Victorian Clinical Genetics Services, Murdoch Childrens Research Institute and Labcorp Genetics (formerly Invitae), Labcorp); PubMed 28566750 (cited by Victorian Clinical Genetics Services, Murdoch Childrens Research Institute); PubMed 30063100 (cited by Victorian Clinical Genetics Services, Murdoch Childrens Research Institute and Labcorp Genetics (formerly Invitae), Labcorp); PubMed 30142438 (cited by Victorian Clinical Genetics Services, Murdoch Childrens Research Institute); PubMed 32910250 (cited by Victorian Clinical Genetics Services, Murdoch Childrens Research Institute); PubMed 33544220 (cited by Victorian Clinical Genetics Services, Murdoch Childrens Research Institute); PubMed 34480364 (cited by Victorian Clinical Genetics Services, Murdoch Childrens Research Institute).

NM_001127222.2(CACNA1A):c.1615G>A (p.Gly539Arg)

Gene: CACNA1A (calcium voltage-gated channel subunit alpha1 A; minus strand). Cytogenetic location: 19p13.13.
Variant type: single nucleotide variant.
Coding change: c.1615G>A on transcript NM_001127222.2 (MANE Select); coding-DNA position 1615, G replaced by A.
Protein change: p.Gly539Arg; replaces glycine 539 with arginine.
Molecular consequence: missense variant.
Genome position (GRCh38, 1-based): chr19:13,312,722, C>T on the plus strand (G>A on the coding strand, the complement: CACNA1A is on the minus strand). VCF-style: chr19-13312722-C-T. GRCh37 (hg19) VCF-style: chr19-13423536-C-T.
Other names: c.1618G>A (NM_001127221.1); c.1618G>A, p.Gly540Arg (NM_000068.4, NM_001127221.2, NM_001174080.2 and 1 more transcripts); c.1615G>A (NM_001127222.1); short protein forms G539R, G540R.
Identifiers: ClinVar variation 1485251 (VCV001485251.13), dbSNP rs2145030587, ClinGen allele CA404345394.